The following is an entry in ClinVar:

NM_002240.5(KCNJ6):c.2T>C (p.Met1Thr)

Gene: KCNJ6 (potassium inwardly rectifying channel subfamily J member 6; minus strand). Cytogenetic location: 21q22.13.
Variant type: single nucleotide variant.
Coding change: c.2T>C on transcript NM_002240.5 (MANE Select); coding-DNA position 2, T replaced by C.
Protein change: p.Met1Thr; changes the start codon (methionine 1).
Molecular consequence: missense variant, initiator codon variant.
Genome position (GRCh38, 1-based): chr21:37,840,681, A>G on the plus strand (T>C on the coding strand, the complement: KCNJ6 is on the minus strand). VCF-style: chr21-37840681-A-G. GRCh37 (hg19) VCF-style: chr21-39212983-A-G.
Other names: short protein forms M1T.
Identifiers: ClinVar variation 2663540 (VCV002663540.1), dbSNP rs2518262825, ClinGen allele CA409969739.
Genomic context (GRCh38, chr21:37,840,681, plus strand): 5'-AAAACAAAAAATAAATAATAAATTTGAAGCTACTCACTCATGGATTCTGTCAGCTTGGCC[A>G]TTGTTGCAGTTTCTTCTTTGTGCTTTTCCTGGAGGTGAGAAGAAAAGACAATTATCTGTA-3'
Protein context (NP_002231.1, residues 1-11): [Met1Thr]AKLTESMTNV

ClinVar aggregate classification (germline): Uncertain significance (1 of 4 stars; one submission).

Allele frequency attached by ClinVar (database versions not stated): gnomAD exomes below 0.00001.

Submission:

GeneDx
Classification: Uncertain significance. Last evaluated: 2023-04-21. Review status: criteria provided, single submitter. Criteria: GeneDx Variant Classification Process June 2021. Collection method: clinical testing. Allele origin: germline. Affected: yes.
Comment: Not observed at significant frequency in large population cohorts (gnomAD); Initiation codon variant in a gene for which loss of function is not a known mechanism of disease; Has not been previously published as pathogenic or benign to our knowledge